The following is an entry in ClinVar:

ClinVar aggregate classification (germline): Uncertain significance. Review status: criteria provided, multiple submitters, no conflicts (2 of 4 stars). 2 submissions from 2 submitters: Uncertain significance (2). Last evaluated 2022-02-14.

Conditions:
Neonatal diabetes mellitus with congenital hypothyroidism. Also called: NDH SYNDROME. Identifiers: Orphanet 79118, MedGen C1857775, MONDO:0012436, OMIM 610199.

Allele frequency attached by ClinVar (database versions not stated): gnomAD 0.00002 and 0.00004; TOPMed 0.00003; ExAC 0.00012; 1000 Genomes Project 30x 0.00016; 1000 Genomes Project 0.00020.
gnomAD v4.1: 141 of 1,613,436 alleles (0.0087%); highest among the groups gnomAD compares: South Asian, 0.058%; 1 homozygote.

Submissions (2):

Fulgent Genetics
Classification: Uncertain significance for Neonatal diabetes mellitus with congenital hypothyroidism. Last evaluated: 2022-02-14. Review status: criteria provided, single submitter. Criteria: ACMG Guidelines, 2015. Collection method: clinical testing. Allele origin: unknown.

Labcorp Genetics (formerly Invitae), Labcorp
Classification: Uncertain significance. Last evaluated: 2021-08-11. Review status: criteria provided, single submitter. Criteria: Invitae Variant Classification Sherloc (09022015). Collection method: clinical testing. Allele origin: germline.
Comment: In summary, the available evidence is currently insufficient to determine the role of this variant in disease. Therefore, it has been classified as a Variant of Uncertain Significance. Algorithms developed to predict the effect of missense changes on protein structure and function are either unavailable or do not agree on the potential impact of this missense change (SIFT: "Deleterious"; PolyPhen-2: "Possibly Damaging"; Align-GVGD: "Class C0"). This variant has not been reported in the literature in individuals affected with GLIS3-related conditions. This variant is present in population databases (rs202168959, ExAC 0.08%). This sequence change replaces serine with leucine at codon 739 of the GLIS3 protein (p.Ser739Leu). The serine residue is highly conserved and there is a large physicochemical difference between serine and leucine.

NM_001042413.2(GLIS3):c.2681C>T (p.Ser894Leu)

Gene: GLIS3 (GLIS family zinc finger 3; minus strand). Cytogenetic location: 9p24.2.
Variant type: single nucleotide variant.
Coding change: c.2681C>T on transcript NM_001042413.2 (MANE Select); coding-DNA position 2681, C replaced by T.
Protein change: p.Ser894Leu; replaces serine 894 with leucine.
Molecular consequence: missense variant.
Genome position (GRCh38, 1-based): chr9:3,828,384, G>A on the plus strand (C>T on the coding strand, the complement: GLIS3 is on the minus strand). VCF-style: chr9-3828384-G-A. GRCh37 (hg19) VCF-style: chr9-3828384-G-A.
Other names: c.2216C>T, p.Ser739Leu (NM_152629.4); short protein forms S894L, S739L.
Identifiers: ClinVar variation 1445264 (VCV001445264.7), dbSNP rs202168959, ClinGen allele CA4967666.